The following is an entry in ClinVar:

NM_000152.5(GAA):c.408C>G (p.Tyr136Ter)

Gene: GAA (alpha glucosidase; plus strand). Cytogenetic location: 17q25.3.
Variant type: single nucleotide variant.
Coding change: c.408C>G on transcript NM_000152.5 (MANE Select); coding-DNA position 408, C replaced by G.
Protein change: p.Tyr136Ter; replaces tyrosine 136 with a stop codon.
Molecular consequence: nonsense.
Genome position (GRCh38, 1-based): chr17:80,104,994, C>G. VCF-style: chr17-80104994-C-G. GRCh37 (hg19) VCF-style: chr17-78078793-C-G.
Other names: c.408C>G, p.Tyr136Ter (NM_001079803.3, NM_001079804.3, NM_001406741.1 and 1 more transcripts); short protein forms Y136*.
Identifiers: ClinVar variation 5036716 (VCV005036716.1).

ClinVar aggregate classification (germline): Likely pathogenic (1 of 4 stars; one submission).

Conditions:
Glycogen storage disease due to acid maltase deficiency, late-onset (LOPD). Also called: POMPE DISEASE, LATE-ONSET; GLYCOGEN STORAGE DISEASE II, LATE-ONSET; ACID ALPHA-GLUCOSIDASE DEFICIENCY, LATE-ONSET; GAA DEFICIENCY, LATE-ONSET; ACID MALTASE DEFICIENCY, LATE-ONSET; AMD, LATE-ONSET. Identifiers: Orphanet 420429, MedGen C0342753, MONDO:0018485, OMIM 621314.

gnomAD v4.1: 1 of 1,612,930 alleles (0.000062%); highest among the groups gnomAD compares: Non-Finnish European, 0.000085%; no homozygotes.

Submission:

Department of Pathophysiology and Transplantation,  Dino Ferrari Center, University of Milan
Classification: Likely pathogenic for Glycogen storage disease due to acid maltase deficiency, late-onset. Last evaluated: 2026-10-10. Review status: criteria provided, single submitter. Criteria: ACMG Guidelines, 2015. Collection method: research. Allele origin: germline. Observed: 1 variant allele.
Comment: The variant creates a premature termination codon (PVS1) and it displays an extremely low frequency in gnomAD population databases (PM2). The variant (heterozygous) has been found in a subject recruited in the UKB genomic dataset (PMID: 30305743). The same subject also harbours the (heterozygous) IVS1 variant c.-32-13T>G. No information is available about the clinical features of this subject or regarding the phase of the two variants.

Literature cited by the submitters: PubMed 30305743.